The following is an entry in ClinVar:

ClinVar aggregate classification (germline): Conflicting classifications of pathogenicity. Review status: criteria provided, conflicting classifications (1 of 4 stars). 7 submissions from 7 submitters: Uncertain significance (2); Benign (1); Likely benign (2). 2 of the submissions do not count toward it. Last evaluated 2026-02-03.

Conditions:
PSAP-related disorder. Also called: PSAP-related condition.
Sphingolipid activator protein 1 deficiency. Also called: Metachromatic leukodystrophy due to saposin B deficiency; Saposin B Deficiency; METACHROMATIC LEUKODYSTROPHY DUE TO CEREBROSIDE SULFATASE ACTIVATOR DEFICIENCY. Identifiers: Orphanet 512, MedGen C0268262, MONDO:0009590, OMIM 249900.
Combined PSAP deficiency (PSAPD). Also called: Encephalopathy due to prosaposin deficiency; COMBINED SAP DEFICIENCY; PROSAPOSIN DEFICIENCY. Identifiers: Orphanet 139406, MedGen C2673635, MONDO:0012719, OMIM 611721.
Metachromatic leukodystrophy (MLD). Also called: Cerebral sclerosis diffuse metachromatic form; Arylsulfatase A Deficiency; ARSA DEFICIENCY; CEREBROSIDE SULFATASE DEFICIENCY; METACHROMATIC LEUKOENCEPHALOPATHY; SULFATIDE LIPIDOSIS. Identifiers: Orphanet 512, MedGen C0023522, MONDO:0018868, OMIM 250100.

Allele frequency attached by ClinVar (database versions not stated): TOPMed 0.00040.
gnomAD v4.1: 309 of 1,614,152 alleles (0.019%); highest among the groups gnomAD compares: Admixed American, 0.5%; no homozygotes.

Submissions (7):

Labcorp Genetics (formerly Invitae), Labcorp
Classification: Benign for Sphingolipid activator protein 1 deficiency. Last evaluated: 2026-02-03. Review status: criteria provided, single submitter. Criteria: Invitae Variant Classification Sherloc (09022015). Collection method: clinical testing. Allele origin: germline.

ARUP Laboratories, Molecular Genetics and Genomics, ARUP Laboratories
Classification: Likely benign. Last evaluated: 2025-04-23. Review status: criteria provided, single submitter. Criteria: ARUP Molecular Germline Variant Investigation Process 2024. Collection method: clinical testing. Allele origin: germline.

Mayo Clinic Laboratories, Mayo Clinic
Classification: Likely benign. Last evaluated: 2025-01-27. Review status: criteria provided, single submitter. Criteria: ACMG Guidelines, 2015. Collection method: clinical testing. Allele origin: germline. Observed: 3 variant alleles.
Comment: BA1, PP3

Baylor Genetics
Classification: Uncertain significance for Combined PSAP deficiency. Last evaluated: 2018-01-30. Review status: criteria provided, single submitter. Criteria: ACMG Guidelines, 2015. Collection method: clinical testing. Allele origin: paternal. Affected: yes.
Comment: This variant was determined to be of uncertain significance according to ACMG Guidelines, 2015 [PMID:25741868].

GeneDx
Classification: Uncertain significance. Last evaluated: 2016-07-19. Review status: criteria provided, single submitter. Criteria: GeneDx Variant Classification (06012015). Collection method: clinical testing. Allele origin: germline. Affected: yes.
Comment: The L137V variant in the PSAP gene has been reported previously as a heterozygous variant in an individual with an atypical preoxisomal disorder; however no second PSAP variant was identified and this individual carried a homozygous PEX16 pathogenic variant (Bacino et al., 2016). The L137V variant was observed on 115/11540 (0.99%) alleles from individuals of Latino background in the Exome Aggregation Consortium (ExAC) data set, indicating it may be a rare variant in this population. The L137V variant is a conservative amino acid substitution, which is not likely to impact secondary protein structure as these residues share similar properties. This substitution occurs at a position where amino acids with similar properties to Leucine are tolerated across species. In silico analysis predicts this variant is probably damaging to the protein structure/function. We interpret L137V as a variant of uncertain significance.

PreventionGenetics, part of Exact Sciences
Classification: Likely benign for PSAP-related condition. Last evaluated: 2020-05-11. Review status: no assertion criteria provided. Collection method: clinical testing. Allele origin: germline. Not counted in ClinVar's aggregate classification.
Comment: This variant is classified as likely benign based on ACMG/AMP sequence variant interpretation guidelines (Richards et al. 2015 PMID: 25741868, with internal and published modifications).

Natera, Inc.
Classification: Uncertain significance for Metachromatic leukodystrophy. Last evaluated: 2020-04-11. Review status: no assertion criteria provided. Collection method: clinical testing. Allele origin: germline. Not counted in ClinVar's aggregate classification.

NM_002778.4(PSAP):c.409C>G (p.Leu137Val)

Gene: PSAP (prosaposin; minus strand). Cytogenetic location: 10q22.1.
Variant type: single nucleotide variant.
Coding change: c.409C>G on transcript NM_002778.4 (MANE Select); coding-DNA position 409, C replaced by G.
Protein change: p.Leu137Val; replaces leucine 137 with valine.
Molecular consequence: missense variant.
Genome position (GRCh38, 1-based): chr10:71,829,044, G>C on the plus strand (C>G on the coding strand, the complement: PSAP is on the minus strand). VCF-style: chr10-71829044-G-C. GRCh37 (hg19) VCF-style: chr10-73588801-G-C.
Other names: p.Leu137Val; c.409C>G, p.Leu137Val (NM_001042465.3, NM_001042466.3); short protein forms L137V.
Identifiers: ClinVar variation 418428 (VCV000418428.19), dbSNP rs377027316, ClinGen allele CA5547774.